The following is an entry in ClinVar:

NC_012920.1(MT-ND5):m.14071A>G

Gene: MT-ND5 (mitochondrially encoded NADH dehydrogenase 5; plus strand).
Variant type: single nucleotide variant.
Genome position: chrM-14071-A-G.
Identifiers: ClinVar variation 693664 (VCV000693664.1), dbSNP rs1603224512, ClinGen allele CA414820774.

ClinVar aggregate classification (germline): Benign (1 of 4 stars; one submission).

Conditions:
Leigh syndrome (NULS). Also called: Leigh's necrotizing encephalopathy; Leigh's disease; Leigh's syndrome; LEIGH SYNDROME, NUCLEAR; Leigh Syndrome (mtDNA deletion); Leigh Disease. Identifiers: Orphanet 506, MedGen C2931891, MONDO:0009723, OMIM 256000.

Submission:

Wong Mito Lab, Molecular and Human Genetics, Baylor College of Medicine
Classification: Benign for Leigh syndrome. Last evaluated: 2019-10-17. Review status: criteria provided, single submitter. Criteria: Modified ACMG Guidelines (Unpublished). Collection method: clinical testing. Allele origin: germline.
Comment: The NC_012920.1:m.14071A>G (YP_003024036.1:p.Thr579Ala) variant in MTND5 gene is interpretated to be a Benign variant based on the modified ACMG guidelines (unpublished). This variant meets the following evidence codes: BS1, BS4, BP4